The following is an entry in ClinVar:

ClinVar aggregate classification (germline): Uncertain significance. Review status: criteria provided, multiple submitters, no conflicts (2 of 4 stars). 4 submissions from 4 submitters: Uncertain significance (4). Last evaluated 2026-07-01.

Conditions:
Hereditary cancer-predisposing syndrome. Also called: Neoplastic Syndromes, Hereditary; Hereditary Cancer Syndrome; Tumor predisposition; Hereditary neoplastic syndrome. Identifiers: Orphanet 140162, MedGen C0027672, MeSH D009386, MONDO:0015356.
Isolated focal cortical dysplasia type II (FCORD2). Also called: CORTICAL DYSPLASIA OF TAYLOR; Focal cortical dysplasia type II. Identifiers: Orphanet 268994, MedGen C1846385, MONDO:0011818, OMIM 607341, HP:0032051.
Tuberous sclerosis 2 (TSC2). Identifiers: Orphanet 805, MedGen C1860707, MONDO:0013199, OMIM 613254.

gnomAD v4.1: 1 of 1,613,400 alleles (0.000062%); highest among the groups gnomAD compares: Non-Finnish European, 0.000085%; no homozygotes.

Submissions (4):

Ambry Genetics
Classification: Uncertain significance for Hereditary cancer-predisposing syndrome. Last evaluated: 2026-07-01. Review status: criteria provided, single submitter. Criteria: Ambry Variant Classification Scheme 2023. Collection method: clinical testing. Allele origin: germline.
Comment: The p.P579S variant (also known as c.1735C>T), located in coding exon 16 of the TSC2 gene, results from a C to T substitution at nucleotide position 1735. The proline at codon 579 is replaced by serine, an amino acid with similar properties. This amino acid position is highly conserved in available vertebrate species. In addition, this alteration is predicted to be deleterious by in silico analysis. Based on the available evidence, the clinical significance of this variant remains unclear.

Labcorp Genetics (formerly Invitae), Labcorp
Classification: Uncertain significance for Tuberous sclerosis 2. Last evaluated: 2024-08-27. Review status: criteria provided, single submitter. Criteria: Invitae Variant Classification Sherloc (09022015). Collection method: clinical testing. Allele origin: germline.
Comment: This sequence change replaces proline, which is neutral and non-polar, with serine, which is neutral and polar, at codon 579 of the TSC2 protein (p.Pro579Ser). This variant is not present in population databases (gnomAD no frequency). This variant has not been reported in the literature in individuals affected with TSC2-related conditions. ClinVar contains an entry for this variant (Variation ID: 185164). Invitae Evidence Modeling of protein sequence and biophysical properties (such as structural, functional, and spatial information, amino acid conservation, physicochemical variation, residue mobility, and thermodynamic stability) has been performed for this missense variant. However, the output from this modeling did not meet the statistical confidence thresholds required to predict the impact of this variant on TSC2 protein function. In summary, the available evidence is currently insufficient to determine the role of this variant in disease. Therefore, it has been classified as a Variant of Uncertain Significance.

Baylor Genetics
Classification: Uncertain significance for Isolated focal cortical dysplasia type II. Last evaluated: 2023-08-14. Review status: criteria provided, single submitter. Criteria: ACMG Guidelines, 2015. Collection method: clinical testing. Allele origin: unknown.

Genome-Nilou Lab
Classification: Uncertain significance for Tuberous sclerosis 2. Last evaluated: 2021-11-07. Review status: criteria provided, single submitter. Criteria: ACMG Guidelines, 2015. Collection method: clinical testing. Allele origin: germline. Affected: no.

NM_000548.5(TSC2):c.1735C>T (p.Pro579Ser)

Gene: TSC2 (TSC complex subunit 2; plus strand). Cytogenetic location: 16p13.3.
Variant type: single nucleotide variant.
Coding change: c.1735C>T on transcript NM_000548.5 (MANE Select); coding-DNA position 1735, C replaced by T.
Protein change: p.Pro579Ser; replaces proline 579 with serine.
Molecular consequence: missense variant.
Genome position (GRCh38, 1-based): chr16:2,070,474, C>T. VCF-style: chr16-2070474-C-T. GRCh37 (hg19) VCF-style: chr16-2120475-C-T.
Other names: c.1735C>T, p.Pro579Ser (NM_001077183.3, NM_001114382.3, NM_001363528.2 and 3 more transcripts); c.1624C>T, p.Pro542Ser (NM_001318827.2); c.1588C>T, p.Pro530Ser (NM_001318829.2); c.1135C>T, p.Pro379Ser (NM_001318831.2); c.1768C>T, p.Pro590Ser (NM_001318832.2); short protein forms P579S, P590S, P379S, P530S, P542S.
Identifiers: ClinVar variation 185164 (VCV000185164.19), dbSNP rs45517196, ClinGen allele CA015596.